The following is an entry in ClinVar:

NM_000179.2(MSH6):c.458-?_3172+?del

Gene: MSH6 (mutS homolog 6; plus strand). Cytogenetic location: 2p16.3.
Variant type: Deletion.
Coding change: c.458-?_3172+?del on transcript NM_000179.2.
Other names: c.458-?_3172+?del (LRG_219t1).
Identifiers: ClinVar variation 219701 (VCV000219701.1).

ClinVar aggregate classification (germline): Pathogenic (1 of 4 stars; one submission).

Conditions:
Lynch syndrome. Identifiers: Orphanet 144, MedGen C4552100, MONDO:0005835. Disease mechanism: loss of function.

Submission:

Labcorp Genetics (formerly Invitae), Labcorp
Classification: Pathogenic for Hereditary nonpolyposis colorectal neoplasms. Last evaluated: 2016-05-04. Review status: criteria provided, single submitter. Criteria: Invitae Variant Classification Sherloc (09022015). Collection method: clinical testing. Allele origin: germline.
Comment: This sequence change is a gross deletion of the genomic region encompassing exons 3-4 of the MSH6 gene. While this particular variant has not been reported in the literature, gross deletions in MSH6 are known to be pathogenic and similar deletions have been reported in patients with hereditary nonpolyposis colorectal cancer (PMID: 20487569, 20028993). This deletion is an in-frame codon deletion and is not predicted to cause premature truncation of the MSH6 protein. However, the region of the MSH6 gene that is deleted encodes important MSH6 protein domains (PMID: 21437237, 23622243, 9774676, 18484749) and is expected to impact protein function. For these reasons, this variant has been classified as Pathogenic.